The following is an entry in ClinVar:

NM_001405151.1(RTL5):c.1600C>T (p.Arg534Cys)

Genes: NHSL2 (NHS like 2; plus strand), RTL5 (retrotransposon Gag like 5; minus strand). Cytogenetic location: Xq13.1.
Variant type: single nucleotide variant.
Coding change: c.1600C>T on transcript NM_001405151.1 (MANE Select); coding-DNA position 1600, C replaced by T.
Protein change: p.Arg534Cys; replaces arginine 534 with cysteine.
Molecular consequence: missense variant. On other transcripts: intron variant (1).
Genome position (GRCh38, 1-based): chrX:72,129,941, G>A on the plus strand (C>T on the coding strand, the complement: RTL5 is on the minus strand). VCF-style: chrX-72129941-G-A. GRCh37 (hg19) VCF-style: chrX-71349791-G-A.
Other names: c.1600C>T, p.Arg534Cys (NM_001024455.4); c.281-2138G>A (NM_001013627.3); short protein forms R534C.
Identifiers: ClinVar variation 1206127 (VCV001206127.27), dbSNP rs201122770, ClinGen allele CA10448583.
Genomic context (GRCh38, chrX:72,129,941, plus strand): 5'-TGAGGCGGAAAAGCACAGGGGGGCGTCTTCGAACTTGGCGTTGTCCTAAACGACCTGTGC[G>A]GCGAATCAGTTGGGGGGAGCTGTAGAATGGTGAATTGGTGCCTGGAAGGCCTTCCAGAAG-3'
Protein context (NP_001392080.1, residues 524-544): PFYSSPQLIR[Arg534Cys]TGRLGQRQVR

ClinVar aggregate classification (germline): Likely benign. Review status: criteria provided, multiple submitters, no conflicts (2 of 4 stars). 4 submissions from 4 submitters: Likely benign (2). 2 of the submissions do not count toward it. Last evaluated 2023-03-01.

Allele frequency attached by ClinVar (database versions not stated): 1000 Genomes Project 0.00026; ESP Exome Variant Server 0.00031; ExAC 0.00038; gnomAD exomes 0.00039; 1000 Genomes Project 30x 0.00042; TOPMed 0.00057.
gnomAD v4.1: 471 of 1,209,425 alleles (0.039%); highest among the groups gnomAD compares: Middle Eastern, 0.8%; 3 homozygotes.

Submissions (4):

CeGaT Center for Human Genetics Tuebingen
Classification: Likely benign. Last evaluated: 2023-03-01. Review status: criteria provided, single submitter. Criteria: CeGaT Center For Human Genetics Tuebingen Variant Classification Criteria Version 2. Collection method: clinical testing. Allele origin: germline. Affected: yes. Observed: 2 variant alleles.
Comment: NHSL2: BS2; RTL5: BP4, BS2

Breakthrough Genomics
Classification: Likely benign. Review status: criteria provided, single submitter. Criteria: ACMG Guidelines, 2015. Collection method: not provided. Allele origin: germline. Inheritance: Unknown mechanism. Affected: yes.

Clinical Genetics DNA and cytogenetics Diagnostics Lab, Erasmus MC, Erasmus Medical Center
Classification: Likely benign. Review status: no assertion criteria provided. Collection method: clinical testing. Allele origin: germline. Affected: yes. Study: VKGL Data-share Consensus. Not counted in ClinVar's aggregate classification.

Laboratory of Diagnostic Genome Analysis, Leiden University Medical Center (LUMC)
Classification: Likely benign. Review status: no assertion criteria provided. Collection method: clinical testing. Allele origin: germline. Affected: yes. Study: VKGL Data-share Consensus. Not counted in ClinVar's aggregate classification.